The following is an entry in ClinVar:

ClinVar aggregate classification (germline): Conflicting classifications of pathogenicity. Review status: criteria provided, conflicting classifications (1 of 4 stars). 2 submissions from 2 submitters: Uncertain significance (1); Likely benign (1). Last evaluated 2025-09-29.

Conditions:
Hereditary cancer-predisposing syndrome. Also called: Neoplastic Syndromes, Hereditary; Tumor predisposition; Hereditary Cancer Syndrome; Hereditary neoplastic syndrome. Identifiers: Orphanet 140162, MedGen C0027672, MeSH D009386, MONDO:0015356.
Gastrointestinal stromal tumor. Also called: Gastrointestinal stromal tumor, somatic; Gastrointestinal stroma tumor. Identifiers: Orphanet 44890, MedGen C0238198, MeSH D046152, MONDO:0011719, OMIM 606764, HP:0100723.

Allele frequency attached by ClinVar (database versions not stated): TOPMed below 0.00001.

Submissions (2):

Labcorp Genetics (formerly Invitae), Labcorp
Classification: Uncertain significance for Gastrointestinal stromal tumor. Last evaluated: 2025-09-29. Review status: criteria provided, single submitter. Criteria: Invitae Variant Classification Sherloc (09022015). Collection method: clinical testing. Allele origin: germline.
Comment: This sequence change replaces alanine, which is neutral and non-polar, with threonine, which is neutral and polar, at codon 220 of the PDGFRA protein (p.Ala220Thr). This variant is not present in population databases (gnomAD no frequency). This variant has not been reported in the literature in individuals affected with PDGFRA-related conditions. ClinVar contains an entry for this variant (Variation ID: 647508). Invitae Evidence Modeling of protein sequence and biophysical properties (such as structural, functional, and spatial information, amino acid conservation, physicochemical variation, residue mobility, and thermodynamic stability) indicates that this missense variant is not expected to disrupt PDGFRA protein function with a negative predictive value of 80%. In summary, the available evidence is currently insufficient to determine the role of this variant in disease. Therefore, it has been classified as a Variant of Uncertain Significance.

Ambry Genetics
Classification: Likely benign for Hereditary cancer-predisposing syndrome. Last evaluated: 2025-01-14. Review status: criteria provided, single submitter. Criteria: Ambry Variant Classification Scheme 2023. Collection method: clinical testing. Allele origin: germline.

NM_006206.6(PDGFRA):c.658G>A (p.Ala220Thr)

Gene: PDGFRA (platelet derived growth factor receptor alpha; plus strand). Cytogenetic location: 4q12.
Variant type: single nucleotide variant.
Coding change: c.658G>A on transcript NM_006206.6 (MANE Select); coding-DNA position 658, G replaced by A.
Protein change: p.Ala220Thr; replaces alanine 220 with threonine.
Molecular consequence: missense variant.
Genome position (GRCh38, 1-based): chr4:54,264,948, G>A. VCF-style: chr4-54264948-G-A. GRCh37 (hg19) VCF-style: chr4-55131115-G-A.
Other names: c.658G>A, p.Ala220Thr (NM_001347827.2, NM_001347829.2); c.733G>A, p.Ala245Thr (NM_001347828.2); c.697G>A, p.Ala233Thr (NM_001347830.2); short protein forms A233T, A220T, A245T.
Identifiers: ClinVar variation 647508 (VCV000647508.10), dbSNP rs1577711317, ClinGen allele CA356890788.